The following is an entry in ClinVar:

NM_001048174.2(MUTYH):c.503A>T (p.Glu168Val)

Gene: MUTYH (mutY DNA glycosylase; minus strand). Cytogenetic location: 1p34.1.
Variant type: single nucleotide variant.
Coding change: c.503A>T on transcript NM_001048174.2 (MANE Select); coding-DNA position 503, A replaced by T.
Protein change: p.Glu168Val; replaces glutamic acid 168 with valine.
Molecular consequence: missense variant. On other transcripts: non-coding transcript variant (7).
Genome position (GRCh38, 1-based): chr1:45,332,677, T>A on the plus strand (A>T on the coding strand, the complement: MUTYH is on the minus strand). VCF-style: chr1-45332677-T-A. GRCh37 (hg19) VCF-style: chr1-45798349-T-A.
Other names: c.503A>T, p.Glu168Val (NM_001048171.2, NM_001048173.2, NM_001293195.2 and 6 more transcripts); c.506A>T, p.Glu169Val (NM_001048172.2, NM_001407071.1, NM_001407078.1 and 1 more transcripts); c.587A>T, p.Glu196Val (NM_001128425.2); c.548A>T, p.Glu183Val (NM_001293190.2); c.536A>T, p.Glu179Val (NM_001293191.2, NM_001407069.1, NM_001407077.1); c.227A>T, p.Glu76Val (NM_001293192.2, NM_001293196.2, NM_001407091.1); c.158A>T, p.Glu53Val (NM_001350650.2, NM_001350651.2, NM_001407082.1); c.419A>T, p.Glu140Val (NM_001407075.1); and 5 more; short protein forms E140V, E155V, E179V, E76V, E183V, E193V, E154V, E196V.
Identifiers: ClinVar variation 4113744 (VCV004113744.1).

ClinVar aggregate classification (germline): Uncertain significance (1 of 4 stars; one submission).

Conditions:
Hereditary cancer-predisposing syndrome. Also called: Hereditary neoplastic syndrome; Neoplastic Syndromes, Hereditary; Tumor predisposition; Hereditary Cancer Syndrome. Identifiers: Orphanet 140162, MedGen C0027672, MeSH D009386, MONDO:0015356.

Submission:

Ambry Genetics
Classification: Uncertain significance for Hereditary cancer-predisposing syndrome. Last evaluated: 2025-08-27. Review status: criteria provided, single submitter. Criteria: Ambry Variant Classification Scheme 2023. Collection method: clinical testing. Allele origin: germline.
Comment: The p.E196V variant (also known as c.587A>T), located in coding exon 8 of the MUTYH gene, results from an A to T substitution at nucleotide position 587. The glutamic acid at codon 196 is replaced by valine, an amino acid with dissimilar properties. This amino acid position is conserved. In addition, the in silico prediction for this alteration is inconclusive. Based on the available evidence, the clinical significance of this variant remains unclear.